The following is an entry in ClinVar:

ClinVar aggregate classification (germline): Uncertain significance. Review status: criteria provided, multiple submitters, no conflicts (2 of 4 stars). 3 submissions from 3 submitters: Uncertain significance (3). Last evaluated 2025-06-18.

Conditions:
KIF4A-related disorder. Also called: KIF4A-related condition.

Allele frequency attached by ClinVar (database versions not stated): gnomAD 0.00005.
gnomAD v4.1: 42 of 1,208,813 alleles (0.0035%); highest among the groups gnomAD compares: Middle Eastern, 0.099%; no homozygotes.

Submissions (3):

Ambry Genetics
Classification: Uncertain significance. Last evaluated: 2025-06-18. Review status: criteria provided, single submitter. Criteria: Ambry Variant Classification Scheme 2023. Collection method: clinical testing. Allele origin: germline.

PreventionGenetics, part of Exact Sciences
Classification: Uncertain significance for KIF4A-related condition. Last evaluated: 2023-02-07. Review status: criteria provided, single submitter. Criteria: ACMG Guidelines, 2015. Collection method: clinical testing. Allele origin: germline.
Comment: The KIF4A c.3656G>C variant is predicted to result in the amino acid substitution p.Ser1219Thr. To our knowledge, this variant has not been reported in the literature. This variant is reported in 0.0054% of alleles in individuals of European (Non-Finnish) descent in gnomAD. At this time, the clinical significance of this variant is uncertain due to the absence of conclusive functional and genetic evidence.

CeGaT Center for Human Genetics Tuebingen
Classification: Uncertain significance. Last evaluated: 2022-03-01. Review status: criteria provided, single submitter. Criteria: CeGaT Center For Human Genetics Tuebingen Variant Classification Criteria Version 2. Collection method: clinical testing. Allele origin: germline. Affected: yes. Observed: 1 variant allele.
Comment: KIF4A: PM2

NM_012310.5(KIF4A):c.3656G>C (p.Ser1219Thr)

Gene: KIF4A (kinesin family member 4A; plus strand). Cytogenetic location: Xq13.1.
Variant type: single nucleotide variant.
Coding change: c.3656G>C on transcript NM_012310.5 (MANE Select); coding-DNA position 3656, G replaced by C.
Protein change: p.Ser1219Thr; replaces serine 1219 with threonine.
Molecular consequence: missense variant.
Genome position (GRCh38, 1-based): chrX:70,420,222, G>C. VCF-style: chrX-70420222-G-C. GRCh37 (hg19) VCF-style: chrX-69640072-G-C.
Other names: short protein forms S1219T.
Identifiers: ClinVar variation 2369405 (VCV002369405.27), dbSNP rs369147441, ClinGen allele CA10441517.
Genomic context (GRCh38, chrX:70,420,222, plus strand): 5'-AATACCAAGAAAACAAGGCTCCAGGGAAGAAAAAGAAACGGGCTCTGGCCAGCAACACCA[G>C]CTTCTTCTCTGGCTGCTCCCCTATCGAAGAAGAGGCCCACTGAAGTTGGAGTCATCATCT-3'
Protein context (NP_036442.3, residues 1209-1229): KKKRALASNT[Ser1219Thr]FFSGCSPIEE